The following is an entry in ClinVar:

NM_001366385.1(CARD14):c.910C>T (p.Arg304Cys)

Gene: CARD14 (caspase recruitment domain family member 14; plus strand). Cytogenetic location: 17q25.3.
Variant type: single nucleotide variant.
Coding change: c.910C>T on transcript NM_001366385.1 (MANE Select); coding-DNA position 910, C replaced by T.
Protein change: p.Arg304Cys; replaces arginine 304 with cysteine.
Molecular consequence: missense variant. On other transcripts: non-coding transcript variant (1).
Genome position (GRCh38, 1-based): chr17:80,189,819, C>T. VCF-style: chr17-80189819-C-T. GRCh37 (hg19) VCF-style: chr17-78163618-C-T.
Other names: c.910C>T, p.Arg304Cys (NM_001257970.1, NM_024110.4); c.199C>T, p.Arg67Cys (NM_052819.3); short protein forms R304C, R67C.
Identifiers: ClinVar variation 2923684 (VCV002923684.3), dbSNP rs752948208, ClinGen allele CA8816569.

ClinVar aggregate classification (germline): Uncertain significance (1 of 4 stars; one submission).

Conditions:
Psoriasis 2. Identifiers: MedGen C1864497, MONDO:0011269, OMIM 602723.
Pityriasis rubra pilaris (PRP). Also called: Pityriasis rubra pilaris--familial type. Identifiers: Orphanet 2897, MedGen C0032027, MONDO:0100017, OMIM 173200, MONDO:0008251.

Allele frequency attached by ClinVar (database versions not stated): gnomAD 0.00005; ExAC 0.00006; TOPMed 0.00007.

Submission:

Labcorp Genetics (formerly Invitae), Labcorp
Classification: Uncertain significance for Pityriasis rubra pilaris; Psoriasis 2. Last evaluated: 2025-08-06. Review status: criteria provided, single submitter. Criteria: Invitae Variant Classification Sherloc (09022015). Collection method: clinical testing. Allele origin: germline.
Comment: This sequence change replaces arginine, which is basic and polar, with cysteine, which is neutral and slightly polar, at codon 304 of the CARD14 protein (p.Arg304Cys). This variant is present in population databases (rs752948208, gnomAD 0.07%), and has an allele count higher than expected for a pathogenic variant. This variant has not been reported in the literature in individuals affected with CARD14-related conditions. ClinVar contains an entry for this variant (Variation ID: 2923684). Invitae Evidence Modeling of protein sequence and biophysical properties (such as structural, functional, and spatial information, amino acid conservation, physicochemical variation, residue mobility, and thermodynamic stability) has been performed for this missense variant. However, the output from this modeling did not meet the statistical confidence thresholds required to predict the impact of this variant on CARD14 protein function. In summary, the available evidence is currently insufficient to determine the role of this variant in disease. Therefore, it has been classified as a Variant of Uncertain Significance.